The following is an entry in ClinVar:

NM_000199.5(SGSH):c.845G>A (p.Arg282Lys)

Gene: SGSH (N-sulfoglucosamine sulfohydrolase; minus strand). Cytogenetic location: 17q25.3.
Variant type: single nucleotide variant.
Coding change: c.845G>A on transcript NM_000199.5 (MANE Select); coding-DNA position 845, G replaced by A.
Protein change: p.Arg282Lys; replaces arginine 282 with lysine.
Molecular consequence: missense variant. On other transcripts: non-coding transcript variant (1).
Genome position (GRCh38, 1-based): chr17:80,212,175, C>T on the plus strand (G>A on the coding strand, the complement: SGSH is on the minus strand). VCF-style: chr17-80212175-C-T. GRCh37 (hg19) VCF-style: chr17-78185974-C-T.
Other names: c.845G>A, p.Arg282Lys (NM_001352921.3, NM_001352922.2); short protein forms R282K.
Identifiers: ClinVar variation 3251421 (VCV003251421.1), dbSNP rs2510873815.

ClinVar aggregate classification (germline): Uncertain significance (1 of 4 stars; one submission).

Submission:

Women's Health and Genetics/Laboratory Corporation of America, LabCorp
Classification: Uncertain significance. Last evaluated: 2024-04-30. Review status: criteria provided, single submitter. Criteria: LabCorp Variant Classification Summary - May 2015. Collection method: clinical testing. Allele origin: germline.
Comment: Variant summary: SGSH c.845G>A (p.Arg282Lys) results in a conservative amino acid change located in the Sulfatase, N-terminal (IPR000917) of the encoded protein sequence. Three of five in-silico tools predict a damaging effect of the variant on protein function. The variant was absent in 250388 control chromosomes. c.845G>A has been reported in the literature in individuals affected with Mucopolysaccharidosis Type IIIA (Sanfilippo Syndrome A) (Heron_2011). These data indicate that the variant may be associated with disease. To our knowledge, no experimental evidence demonstrating an impact on protein function has been reported. The following publication has been ascertained in the context of this evaluation (PMID: 21204211). No submitters have cited clinical-significance assessments for this variant to ClinVar. Based on the evidence outlined above, the variant was classified as VUS-possibly pathogenic.

Literature cited by the submitters: PubMed 21204211.